The following is an entry in ClinVar:

ClinVar aggregate classification (germline): Likely benign. Review status: criteria provided, multiple submitters, no conflicts (2 of 4 stars). 4 submissions from 4 submitters: Likely benign (4). Last evaluated 2025-02-04.

Conditions:
Cardiovascular phenotype. Identifiers: MedGen CN230736.
Cardiac arrhythmia. Also called: Arrhythmia; Cardiac rhythm disease. Identifiers: MedGen C0003811, MONDO:0007263, HP:0011675.
Long QT syndrome (LQTS). Identifiers: MedGen C0023976, MeSH D008133, MONDO:0002442. Disease mechanism: loss of function. Inheritance: Various modes of inheritance.

Allele frequency attached by ClinVar (database versions not stated): gnomAD exomes 0.00001 and 0.00003; gnomAD 0.00004; TOPMed 0.00005.
gnomAD v4.1: 28 of 1,613,860 alleles (0.0017%); highest among the groups gnomAD compares: Middle Eastern, 0.016%; no homozygotes.

Submissions (4):

Labcorp Genetics (formerly Invitae), Labcorp
Classification: Likely benign for Long QT syndrome. Last evaluated: 2025-02-04. Review status: criteria provided, single submitter. Criteria: Invitae Variant Classification Sherloc (09022015). Collection method: clinical testing. Allele origin: germline.

All of Us Research Program, National Institutes of Health
Classification: Likely benign for Long QT syndrome. Last evaluated: 2024-01-11. Review status: criteria provided, single submitter. Criteria: ACMG Guidelines, 2015. Collection method: clinical testing. Allele origin: germline. Inheritance: Autosomal dominant inheritance. Observed: 6 variant alleles, 5 heterozygotes, 1 homozygote.
Comment: This study involves interpretation of variants in research participants for the purpose of population health screening. Participant phenotype was not available at the time of variant classification. Additional details can be found in publication PMID: 35346344, PMCID: PMC8962531

Ambry Genetics
Classification: Likely benign for Cardiovascular phenotype. Last evaluated: 2020-01-02. Review status: criteria provided, single submitter. Criteria: Ambry Variant Classification Scheme 2023. Collection method: clinical testing. Allele origin: germline.

Color Diagnostics, LLC DBA Color Health
Classification: Likely benign for Arrhythmia. Last evaluated: 2018-11-25. Review status: criteria provided, single submitter. Criteria: ACMG Guidelines, 2015. Collection method: clinical testing. Allele origin: germline.

NM_000218.3(KCNQ1):c.1107G>A (p.Pro369=)

Gene: KCNQ1 (potassium voltage-gated channel subfamily Q member 1; plus strand). Cytogenetic location: 11p15.5.
Variant type: single nucleotide variant.
Coding change: c.1107G>A on transcript NM_000218.3 (MANE Select); coding-DNA position 1107, G replaced by A.
Protein change: p.Pro369=; no amino-acid change (proline 369 retained).
Molecular consequence: synonymous variant. On other transcripts: intron variant (2).
Genome position (GRCh38, 1-based): chr11:2,585,286, G>A. VCF-style: chr11-2585286-G-A. GRCh37 (hg19) VCF-style: chr11-2606516-G-A.
Other names: c.837G>A, p.Pro279= (NM_001406837.1); c.726G>A, p.Pro242= (NM_181798.2); c.1032+1741G>A (NM_001406836.1); c.588+1741G>A (NM_001406838.1).
Identifiers: ClinVar variation 456856 (VCV000456856.19), dbSNP rs746037904, ClinGen allele CA027080.